The following is an entry in ClinVar:

ClinVar aggregate classification (germline): Uncertain significance. Review status: criteria provided, multiple submitters, no conflicts (2 of 4 stars). 2 submissions from 2 submitters: Uncertain significance (2). Last evaluated 2025-12-23.

Conditions:
Emery-Dreifuss muscular dystrophy 5, autosomal dominant (EDMD5). Also called: EMERY-DREIFUSS MUSCULAR DYSTROPHY 5. Identifiers: Orphanet 261, MedGen C2751805, MONDO:0013072, OMIM 612999.

Allele frequency attached by ClinVar (database versions not stated): TOPMed below 0.00001.
gnomAD v4.1: 10 of 1,614,174 alleles (0.00062%); highest among the groups gnomAD compares: South Asian, 0.011%; no homozygotes.

Submissions (2):

Labcorp Genetics (formerly Invitae), Labcorp
Classification: Uncertain significance for Emery-Dreifuss muscular dystrophy 5, autosomal dominant. Last evaluated: 2025-12-23. Review status: criteria provided, single submitter. Criteria: Invitae Variant Classification Sherloc (09022015). Collection method: clinical testing. Allele origin: germline.
Comment: This sequence change replaces serine, which is neutral and polar, with leucine, which is neutral and non-polar, at codon 2784 of the SYNE2 protein (p.Ser2784Leu). This variant is present in population databases (rs765459823, gnomAD 0.02%). This variant has not been reported in the literature in individuals affected with SYNE2-related conditions. ClinVar contains an entry for this variant (Variation ID: 864124). An algorithm developed to predict the effect of missense changes on protein structure and function outputs the following: PolyPhen-2: "Benign". The leucine amino acid residue is found in multiple mammalian species, which suggests that this missense change does not adversely affect protein function. In summary, the available evidence is currently insufficient to determine the role of this variant in disease. Therefore, it has been classified as a Variant of Uncertain Significance.

Ambry Genetics
Classification: Uncertain significance. Last evaluated: 2024-10-09. Review status: criteria provided, single submitter. Criteria: Ambry Variant Classification Scheme 2023. Collection method: clinical testing. Allele origin: germline.

NM_182914.3(SYNE2):c.8351C>T (p.Ser2784Leu)

Gene: SYNE2 (spectrin repeat containing nuclear envelope protein 2; plus strand). Cytogenetic location: 14q23.2.
Variant type: single nucleotide variant.
Coding change: c.8351C>T on transcript NM_182914.3 (MANE Select); coding-DNA position 8351, C replaced by T.
Protein change: p.Ser2784Leu; replaces serine 2784 with leucine.
Molecular consequence: missense variant.
Genome position (GRCh38, 1-based): chr14:64,052,264, C>T. VCF-style: chr14-64052264-C-T. GRCh37 (hg19) VCF-style: chr14-64518982-C-T.
Other names: c.8351C>T, p.Ser2784Leu (NM_015180.6); short protein forms S2784L.
Identifiers: ClinVar variation 864124 (VCV000864124.10), dbSNP rs765459823, ClinGen allele CA7221089.